The following is an entry in ClinVar:

ClinVar aggregate classification (germline): Likely benign (1 of 4 stars; one submission).

Conditions:
Lynch syndrome 4 (LYNCH4). Also called: Colorectal cancer, hereditary nonpolyposis, type 4; Hereditary non-polyposis colorectal cancer, type 4. Identifiers: Orphanet 144, MedGen C1838333, MONDO:0013699, OMIM 614337. Disease mechanism: loss of function.

Submission:

Myriad Genetics, Inc.
Classification: Likely benign for Lynch syndrome 4. Last evaluated: 2025-01-23. Review status: criteria provided, single submitter. Criteria: Myriad Autosomal Dominant, Autosomal Recessive and X-Linked Classification Criteria (2023). Collection method: clinical testing. Allele origin: unknown.
Comment: This variant is considered likely benign. This variant is intronic and is not expected to impact mRNA splicing.

NM_000535.7(PMS2):c.24-10A>G

Gene: PMS2 (PMS1 homolog 2, mismatch repair system component; minus strand). Cytogenetic location: 7p22.1.
Variant type: single nucleotide variant.
Coding change: c.24-10A>G on transcript NM_000535.7 (MANE Select); 10 bases into the intron before coding-DNA position 24, A replaced by G.
Molecular consequence: intron variant.
Genome position (GRCh38, 1-based): chr7:6,006,041, T>C on the plus strand (A>G on the coding strand, the complement: PMS2 is on the minus strand). VCF-style: chr7-6006041-T-C. GRCh37 (hg19) VCF-style: chr7-6045672-T-C.
Other names: c.-456-15A>G (NM_001322015.2); c.-192-10A>G (NM_001406896.1, NM_001406901.1, NM_001406903.1 and 2 more transcripts); c.24-10A>G (NM_001406885.1, NM_001406886.1, NM_001406884.1 and 10 more transcripts); c.-358-10A>G (NM_001406900.1); c.-329-10A>G (NM_001406909.1, NM_001406907.1, NM_001406892.1 and 3 more transcripts); c.-408-10A>G (NM_001406880.1); c.-372-10A>G (NM_001406890.1); c.-861-10A>G (NM_001322011.2); and 12 more.
Identifiers: ClinVar variation 3904372 (VCV003904372.1).